The following is an entry in ClinVar:

ClinVar aggregate classification (germline): Uncertain significance. Review status: criteria provided, multiple submitters, no conflicts (2 of 4 stars). 2 submissions from 2 submitters: Uncertain significance (2). Last evaluated 2025-01-12.

Conditions:
Familial cancer of breast. Also called: BREAST CANCER, FAMILIAL; Hereditary breast cancer; hereditary breast carcinoma. Identifiers: Orphanet 227535, MedGen C0346153, MONDO:0016419, OMIM 114480. Disease mechanism: loss of function.
Hereditary cancer-predisposing syndrome. Also called: Neoplastic Syndromes, Hereditary; Tumor predisposition; Hereditary neoplastic syndrome; Hereditary Cancer Syndrome. Identifiers: Orphanet 140162, MedGen C0027672, MeSH D009386, MONDO:0015356.

Submissions (2):

Labcorp Genetics (formerly Invitae), Labcorp
Classification: Uncertain significance for Familial cancer of breast. Last evaluated: 2025-01-12. Review status: criteria provided, single submitter. Criteria: Invitae Variant Classification Sherloc (09022015). Collection method: clinical testing. Allele origin: germline.
Comment: This sequence change replaces cysteine, which is neutral and slightly polar, with tyrosine, which is neutral and polar, at codon 324 of the CHEK2 protein (p.Cys324Tyr). This variant is not present in population databases (gnomAD no frequency). This variant has not been reported in the literature in individuals affected with CHEK2-related conditions. ClinVar contains an entry for this variant (Variation ID: 568455). An algorithm developed to predict the effect of missense changes on protein structure and function (PolyPhen-2) suggests that this variant is likely to be disruptive. In summary, the available evidence is currently insufficient to determine the role of this variant in disease. Therefore, it has been classified as a Variant of Uncertain Significance.

Ambry Genetics
Classification: Uncertain significance for Hereditary cancer-predisposing syndrome. Last evaluated: 2024-11-01. Review status: criteria provided, single submitter. Criteria: Ambry Variant Classification Scheme 2023. Collection method: clinical testing. Allele origin: germline.
Comment: The p.C324Y variant (also known as c.971G>A), located in coding exon 8 of the CHEK2 gene, results from a G to A substitution at nucleotide position 971. The cysteine at codon 324 is replaced by tyrosine, an amino acid with highly dissimilar properties. This amino acid position is well conserved in available vertebrate species. In addition, this alteration is predicted to be deleterious by in silico analysis. Based on the available evidence, the clinical significance of this variant remains unclear.

NM_007194.4(CHEK2):c.971G>A (p.Cys324Tyr)

Gene: CHEK2 (checkpoint kinase 2; minus strand). Cytogenetic location: 22q12.1.
Variant type: single nucleotide variant.
Coding change: c.971G>A on transcript NM_007194.4 (MANE Select); coding-DNA position 971, G replaced by A.
Protein change: p.Cys324Tyr; replaces cysteine 324 with tyrosine.
Molecular consequence: missense variant.
Genome position (GRCh38, 1-based): chr22:28,699,875, C>T on the plus strand (G>A on the coding strand, the complement: CHEK2 is on the minus strand). VCF-style: chr22-28699875-C-T. GRCh37 (hg19) VCF-style: chr22-29095863-C-T.
Other names: c.1100G>A, p.Cys367Tyr (NM_001005735.3); c.308G>A, p.Cys103Tyr (NM_001257387.3); c.770G>A, p.Cys257Tyr (NM_001349956.3); c.971G>A, p.Cys324Tyr (NM_145862.3); short protein forms C324Y, C367Y, C103Y, C257Y.
Identifiers: ClinVar variation 568455 (VCV000568455.10), dbSNP rs1569121161, ClinGen allele CA411099708.
Genomic context (GRCh38, chr22:28,699,875, plus strand): 5'-AAAGAATTGAGGGCTTCTTTTACCTGCACAGCCAAGAGCATCTGGTAAAAATAGAGCTTG[C>T]AGGTAGCTTCTTTCAGGCGTTTATTCCCCACCACTTTGTCAAACAGCTCTCCCCCTTCCA-3'
Protein context (NP_009125.1, residues 314-334): VGNKRLKEAT[Cys324Tyr]KLYFYQMLLA